The following is an entry in ClinVar:

ClinVar aggregate classification (germline): Uncertain significance (1 of 4 stars; one submission).

Submission:

Ambry Genetics
Classification: Uncertain significance. Last evaluated: 2021-07-04. Review status: criteria provided, single submitter. Criteria: Ambry Variant Classification Scheme 2023. Collection method: clinical testing. Allele origin: germline.
Comment: The p.T646I variant (also known as c.1937C>T), located in coding exon 1 of the MLH3 gene, results from a C to T substitution at nucleotide position 1937. The threonine at codon 646 is replaced by isoleucine, an amino acid with similar properties. This amino acid position is conserved. In addition, this alteration is predicted to be tolerated by in silico analysis. Since supporting evidence is limited at this time, the clinical significance of this alteration remains unclear.

NM_001040108.2(MLH3):c.1937C>T (p.Thr646Ile)

Gene: MLH3 (mutL homolog 3; minus strand). Cytogenetic location: 14q24.3.
Variant type: single nucleotide variant.
Coding change: c.1937C>T on transcript NM_001040108.2 (MANE Select); coding-DNA position 1937, C replaced by T.
Protein change: p.Thr646Ile; replaces threonine 646 with isoleucine.
Molecular consequence: missense variant.
Genome position (GRCh38, 1-based): chr14:75,047,719, G>A on the plus strand (C>T on the coding strand, the complement: MLH3 is on the minus strand). VCF-style: chr14-75047719-G-A. GRCh37 (hg19) VCF-style: chr14-75514422-G-A.
Other names: c.1937C>T, p.Thr646Ile (NM_014381.3); short protein forms T646I.
Identifiers: ClinVar variation 1782982 (VCV001782982.2), dbSNP rs1359486041, ClinGen allele CA390443701.